The following is an entry in ClinVar:

ClinVar aggregate classification (germline): Conflicting classifications of pathogenicity. Review status: criteria provided, conflicting classifications (1 of 4 stars). 3 submissions from 3 submitters: Uncertain significance (1); Likely benign (2). Last evaluated 2025-04-23.

Conditions:
Cortical dysplasia, complex, with other brain malformations 13. Also called: Intellectual disability, autosomal dominant 13. Identifiers: MedGen C3281202, MONDO:0013805, OMIM 614563.
Charcot-Marie-Tooth disease axonal type 2O. Also called: Charcot-Marie-Tooth disease, axonal, type 20; CHARCOT-MARIE-TOOTH NEUROPATHY, AXONAL, TYPE 2O; CHARCOT-MARIE-TOOTH DISEASE, AXONAL, AUTOSOMAL DOMINANT, TYPE 2O; Charcot-Marie-Tooth Neuropathy Type 2O. Identifiers: Orphanet 284232, MedGen C3280220, MONDO:0013644, OMIM 614228.

Allele frequency attached by ClinVar (database versions not stated): gnomAD exomes below 0.00001 and 0.00001; ExAC 0.00001.
gnomAD v4.1: 8 of 1,614,246 alleles (0.0005%); highest among the groups gnomAD compares: Non-Finnish European, 0.00068%; no homozygotes.

Submissions (3):

Labcorp Genetics (formerly Invitae), Labcorp
Classification: Likely benign for Charcot-Marie-Tooth disease axonal type 2O. Last evaluated: 2025-04-23. Review status: criteria provided, single submitter. Criteria: Invitae Variant Classification Sherloc (09022015). Collection method: clinical testing. Allele origin: germline.

Victorian Clinical Genetics Services, Murdoch Childrens Research Institute
Classification: Likely benign for Cortical dysplasia, complex, with other brain malformations 13. Last evaluated: 2023-12-21. Review status: criteria provided, single submitter. Criteria: ACMG Guidelines, 2015. Collection method: clinical testing. Allele origin: germline. Inheritance: Autosomal dominant inheritance.
Comment: Based on the classification scheme VCGS_Germline_v1.3.4, this variant is classified as Likely benign. Following criteria are met: 0105 - The mechanism of disease for this gene is not clearly established. Gain-of-function is the likely mechanism for Charcot-Marie-Tooth disease, axonal, type 20 (MIM#614228) and spinal muscular atrophy, lower extremity-predominant 1 (MIM#158600; ClinGen curation). While the mechanism for cortical dysplasia, complex, with other brain malformations 13 ((MIM#614563) remains uncertain, although loss-of-function has been demonstrated for some of the reported variants PMID: 28196890). (I) 0107 - This gene is associated with autosomal dominant disease. (I) 0200 - Variant is predicted to result in a missense amino acid change from threonine to asparagine. (I) 0251 - This variant is heterozygous. (I) 0302 - Variant is present in gnomAD (v2) <0.001 for a dominant condition (1 heterozygote, 0 homozygotes). (SP) 0503 - Missense variant consistently predicted to be tolerated by multiple in silico tools or not conserved in placental mammals with a minor amino acid change. (SB) 0604 - Variant is not located in an established domain, motif, hotspot or informative constraint region. (I) 0705 - No comparable missense variants have previous evidence for pathogenicity. (I) 0809 - Previous evidence of pathogenicity for this variant is inconclusive. This variant has been reported twice as VUS (ClinVar). (I) 0904 - Non-segregation of this variant with the phenotype under investigation has been clearly demonstrated. (SB) 1007 - No published functional evidence has been identified for this variant. (I) Legend: (SP) - Supporting pathogenic, (I) - Information, (SB) - Supporting benign

GeneDx
Classification: Uncertain significance. Last evaluated: 2016-05-25. Review status: criteria provided, single submitter. Criteria: GeneDx Variant Classification (06012015). Collection method: clinical testing. Allele origin: germline. Affected: yes.
Comment: The T3969N variant has not been published as a pathogenic variant, nor has it been reported as a benign variant to our knowledge. It was not observed in approximately 6,500 individuals of European and African American ancestry in the NHLBI Exome Sequencing Project, indicating it is not a common benign variant in these populations. The T3969N variant is a conservative amino acid substitution, which is not likely to impact secondary protein structure as these residues share similar properties. However, this substitution occurs at a position that is conserved in mammals, and in silico analysis is inconsistent in its predictions as to whether or not the variant is damaging to the protein structure/function. Therefore, based on the currently available information, it is unclear whether this variant is a pathogenic variant or a rare benign variant.

Literature cited by the submitters: PubMed 28196890 (cited by Victorian Clinical Genetics Services, Murdoch Childrens Research Institute).

NM_001376.5(DYNC1H1):c.11906C>A (p.Thr3969Asn)

Gene: DYNC1H1 (dynein cytoplasmic 1 heavy chain 1; plus strand). Cytogenetic location: 14q32.31.
Variant type: single nucleotide variant.
Coding change: c.11906C>A on transcript NM_001376.5 (MANE Select); coding-DNA position 11906, C replaced by A.
Protein change: p.Thr3969Asn; replaces threonine 3969 with asparagine.
Molecular consequence: missense variant.
Genome position (GRCh38, 1-based): chr14:102,040,638, C>A. VCF-style: chr14-102040638-C-A. GRCh37 (hg19) VCF-style: chr14-102506975-C-A.
Other names: short protein forms T3969N.
Identifiers: ClinVar variation 246573 (VCV000246573.12), dbSNP rs770525695, ClinGen allele CA7353771.
Genomic context (GRCh38, chr14:102,040,638, plus strand): 5'-TTCCACTATTGTCTCCACAGCAATTTGGCATCTGGCTGGACAGCAGCTCCCCGGAGCAGA[C>A]TGTGCCCTACCTCTGGAGTGAAGAAACACCTGCAAGTAAGCCCCACTGTGGTTTTCTTTC-3'
Protein context (NP_001367.2, residues 3959-3979): IWLDSSSPEQ[Thr3969Asn]VPYLWSEETP